The following is an entry in ClinVar:

ClinVar aggregate classification (germline): Likely pathogenic. Review status: reviewed by expert panel (3 of 4 stars). 2 submissions from 2 submitters: Likely pathogenic (1). 1 of the submissions does not count toward it. Last evaluated 2025-04-11.

Conditions:
Arginine:glycine amidinotransferase deficiency (CCDS3). Also called: L-Arginine:Glycine Amidinotransferase (AGAT) Deficiency; Cerebral creatine deficiency syndrome 3; L-Arginine:Glycine Amidinotransferase Deficiency; Creatine deficiency syndrome due to AGAT deficiency; GATM deficiency; AGAT deficiency. Identifiers: Orphanet 35704, MedGen C2675179, MONDO:0012996, OMIM 612718.

Allele frequency attached by ClinVar (database versions not stated): gnomAD exomes below 0.00001.
gnomAD v4.1: 3 of 1,614,136 alleles (0.00019%); highest among the groups gnomAD compares: Non-Finnish European, 0.00025%; no homozygotes.

Submissions (2):

ClinGen Cerebral Creatine Deficiency Syndromes Variant Curation Expert Panel, ClinGen
Classification: Likely pathogenic for Arginine:glycine amidinotransferase deficiency. Last evaluated: 2025-04-11. Review status: reviewed by expert panel. Criteria: ClinGen CCDS ACMG Specifications GATM V2.0.0. Collection method: curation. Allele origin: germline. Inheritance: Autosomal recessive inheritance.
Comment: The NM_001482.3:c.216G>A (p.Trp72Ter) variant in GATM is a nonsense variant predicted to cause a premature stop codon in biologically-relevant-exon 2 out of a total of 9 exons, leading to nonsense mediated decay in a gene in which loss-of-function is an established disease mechanism (PVS1). The highest population minor allele frequency in gnomAD v4.1.0 is 0.000002542 (3/1180018 alleles) in the European non-Finnish population, which is lower than the ClinGen CCDS VCEP’s threshold for PM2_Supporting (<0.000055), meeting this criterion (PM2_Supporting). To our knowledge, this variant has not been reported in the literature in a patient with AGAT deficiency. The classification of this variant has been upgraded from Variant of Uncertain Significance to Likely Pathogenic based on the recommendations of the ClinGen Sequence Variant Interpretation Working Group, that a variant meeting PVS1 and PM2_Supporting is classified as Likely Pathogenic. In summary, this variant meets the criteria to be classified as likely pathogenic for AGAT deficiency. GATM-specific ACMG/AMP codes met, as specified by the ClinGen Cerebral Creatine Deficiency Syndromes VCEP (Specifications Version 2.0.0): PVS1, PM2_Supporting. (Classification approved by the ClinGen CCDS VCEP on April 11, 2025).

Labcorp Genetics (formerly Invitae), Labcorp
Classification: Pathogenic for Arginine:glycine amidinotransferase deficiency. Last evaluated: 2018-03-14. Review status: criteria provided, single submitter. Criteria: Invitae Variant Classification Sherloc (09022015). Collection method: clinical testing. Allele origin: germline. Not counted in ClinVar's aggregate classification.
Comment: This sequence change creates a premature translational stop signal (p.Trp72*) in the GATM gene. It is expected to result in an absent or disrupted protein product. This variant is not present in population databases (ExAC no frequency). This variant has not been reported in the literature in individuals with GATM-related disease. Loss-of-function variants in GATM are known to be pathogenic (PMID: 11555793). For these reasons, this variant has been classified as Pathogenic.

Literature cited by the submitters: PubMed 11555793 (cited by Labcorp Genetics (formerly Invitae), Labcorp).

NM_001482.3(GATM):c.216G>A (p.Trp72Ter)

Gene: GATM (glycine amidinotransferase; minus strand). Cytogenetic location: 15q21.1.
Variant type: single nucleotide variant.
Coding change: c.216G>A on transcript NM_001482.3 (MANE Select); coding-DNA position 216, G replaced by A.
Protein change: p.Trp72Ter; replaces tryptophan 72 with a stop codon.
Molecular consequence: nonsense. On other transcripts: 5 prime UTR variant (1).
Genome position (GRCh38, 1-based): chr15:45,376,673, C>T on the plus strand (G>A on the coding strand, the complement: GATM is on the minus strand). VCF-style: chr15-45376673-C-T. GRCh37 (hg19) VCF-style: chr15-45668871-C-T.
Other names: NM_001482.3(GATM):c.216G>A; p.Trp72Ter; c.-172G>A (NM_001321015.2); short protein forms W72*.
Identifiers: ClinVar variation 572733 (VCV000572733.9), dbSNP rs1566842679, ClinGen allele CA392265208.
Genomic context (GRCh38, chr15:45,376,673, plus strand): 5'-GGTGAACGGTGGAACACAGGCGTTTTCTGCTCTGCCCACTATCACTTCCTCTAAGGGGTC[C>T]CATTCGTTGTAAGAAGAGACAGGGCAGTCCTTGGGCAGAGGCTCAGTGGCTTTGTCGTCA-3'